The following is an entry in ClinVar:

NM_001999.4(FBN2):c.866G>C (p.Gly289Ala)

Gene: FBN2 (fibrillin 2; minus strand). Cytogenetic location: 5q23.3.
Variant type: single nucleotide variant.
Coding change: c.866G>C on transcript NM_001999.4 (MANE Select); coding-DNA position 866, G replaced by C.
Protein change: p.Gly289Ala; replaces glycine 289 with alanine.
Molecular consequence: missense variant.
Genome position (GRCh38, 1-based): chr5:128,446,567, C>G on the plus strand (G>C on the coding strand, the complement: FBN2 is on the minus strand). VCF-style: chr5-128446567-C-G. GRCh37 (hg19) VCF-style: chr5-127782260-C-G.
Other names: short protein forms G289A.
Identifiers: ClinVar variation 4717177 (VCV004717177.1).

ClinVar aggregate classification (germline): Uncertain significance (1 of 4 stars; one submission).

Conditions:
Congenital contractural arachnodactyly (CCA). Also called: Arthrogryposis, distal, type 9; BEALS SYNDROME; Beals-Hecht syndrome. Identifiers: Orphanet 115, MedGen C0220668, MONDO:0007363, OMIM 121050.

Submission:

Labcorp Genetics (formerly Invitae), Labcorp
Classification: Uncertain significance for Congenital contractural arachnodactyly. Last evaluated: 2025-12-03. Review status: criteria provided, single submitter. Criteria: Invitae Variant Classification Sherloc (09022015). Collection method: clinical testing. Allele origin: germline.
Comment: This sequence change replaces glycine, which is neutral and non-polar, with alanine, which is neutral and non-polar, at codon 289 of the FBN2 protein (p.Gly289Ala). This variant is not present in population databases (gnomAD no frequency). This variant has not been reported in the literature in individuals affected with FBN2-related conditions. Invitae Evidence Modeling of protein sequence and biophysical properties (such as structural, functional, and spatial information, amino acid conservation, physicochemical variation, residue mobility, and thermodynamic stability) has been performed for this missense variant. However, the output from this modeling did not meet the statistical confidence thresholds required to predict the impact of this variant on FBN2 protein function. In summary, the available evidence is currently insufficient to determine the role of this variant in disease. Therefore, it has been classified as a Variant of Uncertain Significance.